The following is an entry in ClinVar:

NM_001103.4(ACTN2):c.1372G>A (p.Val458Met)

Gene: ACTN2 (actinin alpha 2; plus strand). Cytogenetic location: 1q43.
Variant type: single nucleotide variant.
Coding change: c.1372G>A on transcript NM_001103.4 (MANE Select); coding-DNA position 1372, G replaced by A.
Protein change: p.Val458Met; replaces valine 458 with methionine.
Molecular consequence: missense variant.
Genome position (GRCh38, 1-based): chr1:236,744,742, G>A. VCF-style: chr1-236744742-G-A. GRCh37 (hg19) VCF-style: chr1-236908042-G-A.
Other names: c.1372G>A (NM_001103.2); c.1372G>A, p.Val458Met (NM_001278343.2); c.748G>A, p.Val250Met (NM_001278344.2); short protein forms V458M, V250M.
Identifiers: ClinVar variation 1512891 (VCV001512891.8), dbSNP rs895000018, ClinGen allele CA39730537.
Genomic context (GRCh38, chr1:236,744,742, plus strand): 5'-CGGGCTCTGCTGCGGAAGCACGAGGCGTTCGAGAGCGACCTGGCAGCGCACCAGGACCGC[G>A]TGGAGCAGATCGCAGCCATCGCGCAGGAGCTCAAGTATGTGCAGATGCCCTCCGTCCTCC-3'
Protein context (NP_001094.1, residues 448-468): ESDLAAHQDR[Val458Met]EQIAAIAQEL

ClinVar aggregate classification (germline): Conflicting classifications of pathogenicity. Review status: criteria provided, conflicting classifications (1 of 4 stars). 3 submissions from 3 submitters: Uncertain significance (1); Likely benign (1). 1 of the submissions does not count toward it. Last evaluated 2025-08-13.

Conditions:
Dilated cardiomyopathy 1AA (CMD1AA). Also called: Cardiomyopathy, dilated, 1AA, with or without LVNC; CARDIOMYOPATHY, DILATED, 1AA, WITH OR WITHOUT LEFT VENTRICULAR NONCOMPACTION; CARDIOMYOPATHY, FAMILIAL HYPERTROPHIC, 23, WITH OR WITHOUT LEFT VENTRICULAR NONCOMPACTION. Identifiers: Orphanet 154, MedGen C2677338, MONDO:0012808, OMIM 612158.
Primary familial hypertrophic cardiomyopathy (HCM). Identifiers: Orphanet 99739, MedGen C0949658, MeSH D024741, MONDO:0024573. Inheritance: Various modes of inheritance.
Cardiovascular phenotype. Identifiers: MedGen CN230736.
Hypertrophic cardiomyopathy. Also called: HYPERTROPHIC MYOCARDIOPATHY. Identifiers: Orphanet 217569, MedGen C0007194, MeSH D002312, MONDO:0005045, HP:0001639.

Allele frequency attached by ClinVar (database versions not stated): gnomAD exomes below 0.00001; TOPMed 0.00001; gnomAD 0.00002.
gnomAD v4.1: 22 of 1,614,076 alleles (0.0014%); highest among the groups gnomAD compares: East Asian, 0.031%; no homozygotes.

Submissions (3):

Labcorp Genetics (formerly Invitae), Labcorp
Classification: Likely benign for Primary familial hypertrophic cardiomyopathy; Dilated cardiomyopathy 1AA. Last evaluated: 2025-08-13. Review status: criteria provided, single submitter. Criteria: Invitae Variant Classification Sherloc (09022015). Collection method: clinical testing. Allele origin: germline.

Ambry Genetics
Classification: Uncertain significance for Cardiovascular phenotype. Last evaluated: 2024-06-25. Review status: criteria provided, single submitter. Criteria: Ambry Variant Classification Scheme 2023. Collection method: clinical testing. Allele origin: germline.
Comment: The p.V458M variant (also known as c.1372G>A), located in coding exon 12 of the ACTN2 gene, results from a G to A substitution at nucleotide position 1372. The valine at codon 458 is replaced by methionine, an amino acid with highly similar properties. This variant co-occurred with a TNNT2 variant in an individual from a hypertrophic cardiomyopathy cohort (Mademont-Soler I et al. PLoS One, 2017 Aug;12:e0181465). This amino acid position is highly conserved in available vertebrate species. In addition, the in silico prediction for this alteration is inconclusive. Based on the available evidence, the clinical significance of this variant remains unclear.

Zaffran Lab, Genetics of Cardiac Diseases Laboratory, Marseille Medical Genetics
Classification: Uncertain significance for hypertrophic cardiomyopathy. Review status: no assertion criteria provided. Collection method: research. Allele origin: unknown. Affected: yes. Not counted in ClinVar's aggregate classification.

Literature cited by the submitters: PubMed 28771489 (cited by Ambry Genetics).